The following is an entry in ClinVar:

NM_013266.4(CTNNA3):c.1538A>G (p.His513Arg)

Gene: CTNNA3 (catenin alpha 3; minus strand). Cytogenetic location: 10q21.3.
Variant type: single nucleotide variant.
Coding change: c.1538A>G on transcript NM_013266.4 (MANE Select); coding-DNA position 1538, A replaced by G.
Protein change: p.His513Arg; replaces histidine 513 with arginine.
Molecular consequence: missense variant.
Genome position (GRCh38, 1-based): chr10:66,379,346, T>C on the plus strand (A>G on the coding strand, the complement: CTNNA3 is on the minus strand). VCF-style: chr10-66379346-T-C. GRCh37 (hg19) VCF-style: chr10-68139104-T-C.
Other names: c.1538A>G, p.His513Arg (NM_001127384.3); short protein forms H513R.
Identifiers: ClinVar variation 2564945 (VCV002564945.3), dbSNP rs2132489175, ClinGen allele CA377090594.

ClinVar aggregate classification (germline): Uncertain significance. Review status: criteria provided, multiple submitters, no conflicts (2 of 4 stars). 2 submissions from 2 submitters: Uncertain significance (2). Last evaluated 2025-03-05.

Conditions:
Arrhythmogenic right ventricular dysplasia 13. Also called: ARRHYTHMOGENIC RIGHT VENTRICULAR CARDIOMYOPATHY 13; Arrhythmogenic right ventricular dysplasia, familial, 13. Identifiers: MedGen C3810138, MONDO:0000908, OMIM 615616.

Allele frequency attached by ClinVar (database versions not stated): gnomAD exomes below 0.00001.
gnomAD v4.1: 5 of 1,613,672 alleles (0.00031%); highest among the groups gnomAD compares: East Asian, 0.0022%; no homozygotes.

Submissions (2):

Labcorp Genetics (formerly Invitae), Labcorp
Classification: Uncertain significance for Arrhythmogenic right ventricular dysplasia 13. Last evaluated: 2025-03-05. Review status: criteria provided, single submitter. Criteria: Invitae Variant Classification Sherloc (09022015). Collection method: clinical testing. Allele origin: germline.
Comment: This sequence change replaces histidine, which is basic and polar, with arginine, which is basic and polar, at codon 513 of the CTNNA3 protein (p.His513Arg). This variant is not present in population databases (gnomAD no frequency). This variant has not been reported in the literature in individuals affected with CTNNA3-related conditions. ClinVar contains an entry for this variant (Variation ID: 2564945). Invitae Evidence Modeling of protein sequence and biophysical properties (such as structural, functional, and spatial information, amino acid conservation, physicochemical variation, residue mobility, and thermodynamic stability) has been performed for this missense variant. However, the output from this modeling did not meet the statistical confidence thresholds required to predict the impact of this variant on CTNNA3 protein function. In summary, the available evidence is currently insufficient to determine the role of this variant in disease. Therefore, it has been classified as a Variant of Uncertain Significance.

Ambry Genetics
Classification: Uncertain significance. Last evaluated: 2023-05-04. Review status: criteria provided, single submitter. Criteria: Ambry Variant Classification Scheme 2023. Collection method: clinical testing. Allele origin: germline.
Comment: The p.H513R variant (also known as c.1538A>G), located in coding exon 11 of the CTNNA3 gene, results from an A to G substitution at nucleotide position 1538. The histidine at codon 513 is replaced by arginine, an amino acid with highly similar properties. This amino acid position is conserved. In addition, this alteration is predicted to be deleterious by in silico analysis. Since supporting evidence is limited at this time, the clinical significance of this alteration remains unclear.